The following is an entry in ClinVar:

NM_000169.3(GLA):c.274G>C (p.Asp92His)

Genes: GLA (galactosidase alpha; minus strand), RPL36A-HNRNPH2 (RPL36A-HNRNPH2 readthrough; plus strand). Cytogenetic location: Xq22.1.
Variant type: single nucleotide variant.
Coding change: c.274G>C on transcript NM_000169.3 (MANE Select); coding-DNA position 274, G replaced by C.
Protein change: p.Asp92His; replaces aspartic acid 92 with histidine.
Molecular consequence: missense variant. On other transcripts: non-coding transcript variant (3), intron variant (2).
Genome position (GRCh38, 1-based): chrX:101,403,906, C>G on the plus strand (G>C on the coding strand, the complement: GLA is on the minus strand). VCF-style: chrX-101403906-C-G. GRCh37 (hg19) VCF-style: chrX-100658894-C-G.
Other names: c.397G>C, p.Asp133His (NM_001406747.1, NM_001406749.1); c.274G>C, p.Asp92His (NM_001406748.1); c.301-8030C>G (NM_001199973.2); c.178-8030C>G (NM_001199974.2); short protein forms D92H, D133H.
Identifiers: ClinVar variation 1192207 (VCV001192207.4), dbSNP rs886041315, ClinGen allele CA413933757.

ClinVar aggregate classification (germline): Pathogenic. Review status: criteria provided, multiple submitters, no conflicts (2 of 4 stars). 3 submissions from 3 submitters: Pathogenic (3). Last evaluated 2026-09-08.

Conditions:
Fabry disease. Also called: Fabry's disease; Angiokeratoma corporis diffusum; Ceramide trihexosidosis; GLA DEFICIENCY; HEREDITARY DYSTOPIC LIPIDOSIS; ALPHA-GALACTOSIDASE A DEFICIENCY. Identifiers: Orphanet 324, MedGen C0002986, MONDO:0010526, OMIM 301500, HP:0001071. Disease mechanism: Fabry disease is due to inactivating mutations in the X-linked GLA gene resulting in deficiency of the enzyme Alpha Galactosidase-A., loss of function.

Submissions (3):

Genomenon, Inc
Classification: Pathogenic for Fabry disease. Last evaluated: 2026-09-08. Review status: criteria provided, single submitter. Criteria: Genomenon Sequence Variant Interpretation Standards - Updated. Collection method: curation. Allele origin: germline. Affected: yes.
Comment: GLA p.Asp92His (c.274G>C) is a missense variant that changes the amino acid at codon 92 from Aspartic acid to Histidine. This variant has been observed in at least one proband with clinical features consistent with Fabry disease (PMID:29853467;29661900;8875188;31664448). At least one functional study has demonstrated a substantial alteration in protein function relative to the wild-type (PMID:27657681). This variant is located in a mutational hotspot and/or important functional domain. It is absent or not present at a significant frequency in gnomAD. In silico models predict that this variant is possibly or probably damaging. In conclusion, we classify GLA p.Asp92His (c.274G>C) as a pathogenic variant.

Genetics Laboratory, Great Ormond Street Hospital NHS Foundation Trust, North Thames Genomic Laboratory Hub
Classification: Pathogenic for Fabry disease. Last evaluated: 2026-01-21. Review status: criteria provided, single submitter. Criteria: ACGS Best Practice Guidelines for Variant Classification in Rare Disease 2024 v1.2. Collection method: clinical testing. Allele origin: germline. Affected: yes.
Comment: PS4_moderate, PM2_moderate, PP3_supporting, PM5_supporting, PP4_strong

Women's Health and Genetics/Laboratory Corporation of America, LabCorp
Classification: Pathogenic for Fabry disease. Last evaluated: 2021-07-22. Review status: criteria provided, single submitter. Criteria: LabCorp Variant Classification Summary - May 2015. Collection method: clinical testing. Allele origin: germline.
Comment: Variant summary: GLA c.274G>C (p.Asp92His) results in a non-conservative amino acid change in the encoded protein sequence. Five of five in-silico tools predict a damaging effect of the variant on protein function. The variant was absent in 183388 control chromosomes. c.274G>C has been reported in the literature in multiple individuals affected with Fabry Disease (example, Davies_1996, Germain_2015, Phyu_2018, McCreary_2019). These data indicate that the variant is very likely to be associated with disease. At least one publication reports experimental evidence evaluating an impact on protein function. The most pronounced variant effect results in <10% of normal activity (example, Germain_2015). No clinical diagnostic laboratories have submitted clinical-significance assessments for this variant to ClinVar after 2014. Based on the evidence outlined above, the variant was classified as pathogenic.

Literature cited by the submitters: PubMed 29853467 (cited by Genomenon, Inc and Women's Health and Genetics/Laboratory Corporation of America, LabCorp); PubMed 29661900 (cited by Genomenon, Inc and Women's Health and Genetics/Laboratory Corporation of America, LabCorp); PubMed 8875188 (cited by Genomenon, Inc and Women's Health and Genetics/Laboratory Corporation of America, LabCorp); PubMed 31664448 (cited by Genomenon, Inc and Women's Health and Genetics/Laboratory Corporation of America, LabCorp); PubMed 27657681 (cited by Genomenon, Inc); PubMed 12359124 (cited by Women's Health and Genetics/Laboratory Corporation of America, LabCorp); PubMed 18633574 (cited by Women's Health and Genetics/Laboratory Corporation of America, LabCorp); PubMed 25795794 (cited by Women's Health and Genetics/Laboratory Corporation of America, LabCorp).